The following is an entry in ClinVar:

ClinVar aggregate classification (germline): Uncertain significance (1 of 4 stars; one submission).

Submission:

Labcorp Genetics (formerly Invitae), Labcorp
Classification: Uncertain significance. Last evaluated: 2022-07-17. Review status: criteria provided, single submitter. Criteria: Invitae Variant Classification Sherloc (09022015). Collection method: clinical testing. Allele origin: germline.
Comment: In summary, the available evidence is currently insufficient to determine the role of this variant in disease. Therefore, it has been classified as a Variant of Uncertain Significance. Variants that disrupt the consensus splice site are a relatively common cause of aberrant splicing (PMID: 17576681, 9536098). Algorithms developed to predict the effect of sequence changes on RNA splicing suggest that this variant may disrupt the consensus splice site. This variant has not been reported in the literature in individuals affected with LRP5-related conditions. This variant is not present in population databases (gnomAD no frequency). This sequence change falls in intron 13 of the LRP5 gene. It does not directly change the encoded amino acid sequence of the LRP5 protein. It affects a nucleotide within the consensus splice site.

Literature cited by the submitters: PubMed 17576681; PubMed 9536098.

NM_002335.4(LRP5):c.3028-3C>G

Gene: LRP5 (LDL receptor related protein 5; plus strand). Cytogenetic location: 11q13.2.
Variant type: single nucleotide variant.
Coding change: c.3028-3C>G on transcript NM_002335.4 (MANE Select); 3 bases into the intron before coding-DNA position 3028, C replaced by G.
Molecular consequence: intron variant.
Genome position (GRCh38, 1-based): chr11:68,423,486, C>G. VCF-style: chr11-68423486-C-G. GRCh37 (hg19) VCF-style: chr11-68190954-C-G.
Other names: c.1285-3C>G (NM_001291902.2).
Identifiers: ClinVar variation 2121194 (VCV002121194.4), dbSNP rs769213870, ClinGen allele CA2574944929.
Genomic context (GRCh38, chr11:68,423,486, plus strand): 5'-GTCTCCGCCAGTGCCCAGGGGTCTCCGCCAGTGCTCAGGAGTCTTGGTTTCTTTGTCTTA[C>G]AGCCCTTTGTTTTGACCTCTCTGAGCCAAGGCCAAAACCCAGACAGGCAGCCCCACGACC-3'